The following is an entry in ClinVar:

ClinVar aggregate classification (germline): Uncertain significance. Review status: criteria provided, multiple submitters, no conflicts (2 of 4 stars). 2 submissions from 2 submitters: Uncertain significance (2). Last evaluated 2026-01-12.

Conditions:
Emery-Dreifuss muscular dystrophy (EDMD). Also called: Scapuloperoneal syndrome, X-linked (formerly); Humeroperoneal neuromuscular disease, (formerly). Identifiers: Orphanet 261, MedGen C0410189, MONDO:0016830.

Allele frequency attached by ClinVar (database versions not stated): ESP Exome Variant Server 0.00008; TOPMed 0.00009; ExAC 0.00006; gnomAD exomes 0.00006; gnomAD 0.00010 and 0.00011.
gnomAD v4.1: 177 of 1,614,042 alleles (0.011%); highest among the groups gnomAD compares: African/African-American, 0.015%; no homozygotes.

Submissions (2):

Labcorp Genetics (formerly Invitae), Labcorp
Classification: Uncertain significance for Emery-Dreifuss muscular dystrophy. Last evaluated: 2026-01-12. Review status: criteria provided, single submitter. Criteria: Invitae Variant Classification Sherloc (09022015). Collection method: clinical testing. Allele origin: germline.
Comment: This sequence change replaces arginine, which is basic and polar, with histidine, which is basic and polar, at codon 194 of the SUN1 protein (p.Arg194His). This variant is present in population databases (rs369326753, gnomAD 0.009%). This variant has not been reported in the literature in individuals affected with SUN1-related conditions. ClinVar contains an entry for this variant (Variation ID: 1061459). An algorithm developed to predict the effect of missense changes on protein structure and function outputs the following: PolyPhen-2: "Probably Damaging". The histidine amino acid residue is found in multiple mammalian species, which suggests that this missense change does not adversely affect protein function. In summary, the available evidence is currently insufficient to determine the role of this variant in disease. Therefore, it has been classified as a Variant of Uncertain Significance.

Ambry Genetics
Classification: Uncertain significance. Last evaluated: 2025-10-15. Review status: criteria provided, single submitter. Criteria: Ambry Variant Classification Scheme 2023. Collection method: clinical testing. Allele origin: germline.

NM_001130965.3(SUN1):c.581G>A (p.Arg194His)

Gene: SUN1 (Sad1 and UNC84 domain containing 1; plus strand). Cytogenetic location: 7p22.3.
Variant type: single nucleotide variant.
Coding change: c.581G>A on transcript NM_001130965.3 (MANE Select); coding-DNA position 581, G replaced by A.
Protein change: p.Arg194His; replaces arginine 194 with histidine.
Molecular consequence: missense variant. On other transcripts: 5 prime UTR variant (1), non-coding transcript variant (3), intron variant (1).
Genome position (GRCh38, 1-based): chr7:843,443, G>A. VCF-style: chr7-843443-G-A. GRCh37 (hg19) VCF-style: chr7-883080-G-A.
Other names: c.581G>A (NM_001130965.2); c.644G>A, p.Arg215His (NM_001171945.2); c.581G>A, p.Arg194His (NM_001171946.2, NM_001367633.1, NM_001367634.1 and 32 more transcripts); c.124G>A, p.Ala42Thr (NM_001367635.1); c.431G>A, p.Arg144His (NM_001367636.1, NM_001367644.1, NM_001367645.1 and 23 more transcripts); c.14G>A, p.Arg5His (NM_001367639.1, NM_001367708.1); c.800G>A, p.Arg267His (NM_001367651.1); c.-181G>A (NM_001367658.1); and 3 more; short protein forms A42T, R131H, R144H, R194H, R203H, R215H, R267H, R5H.
Identifiers: ClinVar variation 1061459 (VCV001061459.11), dbSNP rs369326753, ClinGen allele CA4111602.
Genomic context (GRCh38, chr7:843,443, plus strand): 5'-CCGCCGCCGCCACCGCGCACAACGGCTTCTCCTGCAGCAACTGCAGCATGCTGTCCGAGC[G>A]CAAGGACGTGCTCACGGCGCACCCCGCGGCCCCCGGGCCCGTGTCGAGAGTTTATTCTAG-3'
Protein context (NP_001124437.1, residues 184-204): SCSNCSMLSE[Arg194His]KDVLTAHPAA